The following is an entry in ClinVar:

ClinVar aggregate classification (germline): Conflicting classifications of pathogenicity. Review status: criteria provided, conflicting classifications (1 of 4 stars). 4 submissions from 4 submitters: Uncertain significance (3); Likely benign (1). Last evaluated 2024-10-07.

Conditions:
Hereditary cancer-predisposing syndrome. Also called: Hereditary neoplastic syndrome; Tumor predisposition; Hereditary Cancer Syndrome; Neoplastic Syndromes, Hereditary. Identifiers: Orphanet 140162, MedGen C0027672, MeSH D009386, MONDO:0015356.
Hereditary breast ovarian cancer syndrome. Also called: BRCA1- and BRCA2-Associated Hereditary Breast and Ovarian Cancer; Hereditary breast and ovarian cancer syndrome (HBOC); Hereditary breast and/or ovarian cancer syndrome; Hereditary breast and ovarian cancer syndrome; Hereditary breast and ovarian cancer; Breast and ovarian cancer. Identifiers: Orphanet 145, MedGen C0677776, MeSH D061325, MONDO:0003582. Disease mechanism: loss of function.

gnomAD v4.1: 4 of 1,586,548 alleles (0.00025%); highest among the groups gnomAD compares: Non-Finnish European, 0.00034%; no homozygotes.

Submissions (4):

Labcorp Genetics (formerly Invitae), Labcorp
Classification: Uncertain significance for Hereditary breast ovarian cancer syndrome. Last evaluated: 2024-10-07. Review status: criteria provided, single submitter. Criteria: Invitae Variant Classification Sherloc (09022015). Collection method: clinical testing. Allele origin: germline.
Comment: This sequence change replaces glutamic acid, which is acidic and polar, with glutamine, which is neutral and polar, at codon 866 of the BRCA2 protein (p.Glu866Gln). This variant is not present in population databases (gnomAD no frequency). This variant has not been reported in the literature in individuals affected with BRCA2-related conditions. ClinVar contains an entry for this variant (Variation ID: 220324). Invitae Evidence Modeling of protein sequence and biophysical properties (such as structural, functional, and spatial information, amino acid conservation, physicochemical variation, residue mobility, and thermodynamic stability) indicates that this missense variant is not expected to disrupt BRCA2 protein function with a negative predictive value of 95%. In summary, the available evidence is currently insufficient to determine the role of this variant in disease. Therefore, it has been classified as a Variant of Uncertain Significance.

Ambry Genetics
Classification: Uncertain significance for Hereditary cancer-predisposing syndrome. Last evaluated: 2024-08-07. Review status: criteria provided, single submitter. Criteria: Ambry Variant Classification Scheme 2023. Collection method: clinical testing. Allele origin: germline.
Comment: The p.E866Q variant (also known as c.2596G>C), located in coding exon 10 of the BRCA2 gene, results from a G to C substitution at nucleotide position 2596. The glutamic acid at codon 866 is replaced by glutamine, an amino acid with highly similar properties. This amino acid position is not well conserved in available vertebrate species. In addition, this alteration is predicted to be tolerated by in silico analysis. Based on the available evidence, the clinical significance of this variant remains unclear.

Quest Diagnostics Nichols Institute San Juan Capistrano
Classification: Uncertain significance. Last evaluated: 2023-09-07. Review status: criteria provided, single submitter. Criteria: Quest Diagnostics criteria. Collection method: clinical testing. Allele origin: unknown.
Comment: The variant has been reported in a study of BRCA1 and BRCA2 regions without essential functions that tolerate variation (PMID: 31911673 (2020)). This variant has not been reported in large, multi-ethnic general populations (Genome Aggregation Database). Analysis of this variant using bioinformatics tools for the prediction of the effect of amino acid changes on protein structure and function yielded conflicting predictions that this variant is benign or damaging. Based on the available information, we are unable to determine the clinical significance of this variant.

University of Washington Department of Laboratory Medicine, University of Washington
Classification: Likely benign for Hereditary cancer-predisposing syndrome. Last evaluated: 2023-03-23. Review status: criteria provided, single submitter. Criteria: Dines et al. (Genet Med. 2020). Collection method: curation. Allele origin: germline.
Comment: Missense variant in a coldspot region where missense variants are very unlikely to be pathogenic (PMID:31911673).

BRCA2 exon 11 coldspot. Reclassification based on statistical prior probability.

Literature cited by the submitters: PubMed 31911673 (cited by Quest Diagnostics Nichols Institute San Juan Capistrano).

NM_000059.4(BRCA2):c.2596G>C (p.Glu866Gln)

Gene: BRCA2 (BRCA2 DNA repair associated; plus strand). Cytogenetic location: 13q13.1.
Variant type: single nucleotide variant.
Coding change: c.2596G>C on transcript NM_000059.4 (MANE Select); coding-DNA position 2596, G replaced by C.
Protein change: p.Glu866Gln; replaces glutamic acid 866 with glutamine.
Molecular consequence: missense variant.
Genome position (GRCh38, 1-based): chr13:32,336,951, G>C. VCF-style: chr13-32336951-G-C. GRCh37 (hg19) VCF-style: chr13-32911088-G-C.
Other names: short protein forms E866Q.
Identifiers: ClinVar variation 220324 (VCV000220324.15), dbSNP rs864622476, ClinGen allele CA348942.